The following is an entry in ClinVar:

ClinVar aggregate classification (germline): Conflicting classifications of pathogenicity. Review status: criteria provided, conflicting classifications (1 of 4 stars). 6 submissions from 6 submitters: Uncertain significance (1); Benign (1); Likely benign (2). 2 of the submissions do not count toward it. Last evaluated 2026-01-18.

Conditions:
COQ2-related disorder. Also called: COQ2-related condition.

Allele frequency attached by ClinVar (database versions not stated): gnomAD exomes 0.00005 and 0.00009; ExAC 0.00016; TOPMed 0.00072; gnomAD 0.00078 and 0.00086; 1000 Genomes Project 0.00080; 1000 Genomes Project 30x 0.00094.
gnomAD v4.1: 198 of 1,509,810 alleles (0.013%); highest among the groups gnomAD compares: African/African-American, 0.26%; no homozygotes.

Submissions (6):

Labcorp Genetics (formerly Invitae), Labcorp
Classification: Likely benign. Last evaluated: 2026-01-18. Review status: criteria provided, single submitter. Criteria: Invitae Variant Classification Sherloc (09022015). Collection method: clinical testing. Allele origin: germline.

GeneDx
Classification: Uncertain significance. Last evaluated: 2025-10-08. Review status: criteria provided, single submitter. Criteria: GeneDx Variant Classification Process June 2021. Collection method: clinical testing. Allele origin: germline. Affected: yes.
Comment: In silico analysis suggests that this missense variant does not alter protein structure/function; Has not been previously published as pathogenic or benign to our knowledge

Blueprint Genetics
Classification: Benign. Last evaluated: 2024-09-16. Review status: criteria provided, single submitter. Criteria: ACMG Guidelines, 2015. Collection method: clinical testing. Allele origin: germline.

Breakthrough Genomics
Classification: Likely benign. Review status: criteria provided, single submitter. Criteria: ACMG Guidelines, 2015. Collection method: not provided. Allele origin: germline. Inheritance: Autosomal recessive inheritance. Affected: yes.

PreventionGenetics, part of Exact Sciences
Classification: Likely benign for COQ2-related condition. Last evaluated: 2024-08-16. Review status: no assertion criteria provided. Collection method: clinical testing. Allele origin: germline. Not counted in ClinVar's aggregate classification.
Comment: This variant is classified as likely benign based on ACMG/AMP sequence variant interpretation guidelines (Richards et al. 2015 PMID: 25741868, with internal and published modifications).

Department of Pathology and Laboratory Medicine, Sinai Health System
Classification: Uncertain significance. Review status: no assertion criteria provided. Collection method: clinical testing. Allele origin: unknown. Affected: yes. Study: The Canadian Open Genetics Repository (COGR). Not counted in ClinVar's aggregate classification.
Comment: The COQ2 p.Ala65Gly variant was not identified in the literature nor was it identified in ClinVar, Cosmic or LOVD 3.0. The variant was identified in dbSNP (ID: rs555411841) and in control databases in 28 of 138656 chromosomes at a frequency of 0.000202 (Genome Aggregation Database Feb 27, 2017). The variant was observed in the following populations: African in 27 of 10806 chromosomes (freq: 0.002499) and Latino in 1 of 20314 chromosomes (freq: 0.000049), while the variant was not observed in the Ashkenazi Jewish, East Asian, European (Finnish), European (non-Finnish), Other, and South Asian populations. The p.Ala65 residue is not conserved in mammals and computational analyses (SIFT, AlignGVGD, BLOSUM, MutationTaster) do not suggest a high likelihood of impact to the protein; however, this information is not predictive enough to rule out pathogenicity. The variant occurs outside of the splicing consensus sequence and in silico or computational prediction software programs (SpliceSiteFinder, MaxEntScan, NNSPLICE, GeneSplicer) do not predict a difference in splicing. In summary, based on the above information the clinical significance of this variant cannot be determined with certainty at this time. This variant is classified as a variant of uncertain significance.

NM_001358921.2(COQ2):c.44C>G (p.Ala15Gly)

Genes: COQ2 (coenzyme Q2, polyprenyltransferase; minus strand), LOC112997540 (Sharpr-MPRA regulatory region 13773; plus strand). Cytogenetic location: 4q21.23.
Variant type: single nucleotide variant.
Coding change: c.44C>G on transcript NM_001358921.2 (MANE Select); coding-DNA position 44, C replaced by G.
Protein change: p.Ala15Gly; replaces alanine 15 with glycine.
Molecular consequence: missense variant.
Genome position (GRCh38, 1-based): chr4:83,284,721, G>C on the plus strand (C>G on the coding strand, the complement: COQ2 is on the minus strand). VCF-style: chr4-83284721-G-C. GRCh37 (hg19) VCF-style: chr4-84205874-G-C.
Other names: c.194C>G, p.Ala65Gly (NM_015697.9); short protein forms A15G, A65G.
Identifiers: ClinVar variation 1049094 (VCV001049094.15), dbSNP rs555411841, ClinGen allele CA2988692.
Genomic context (GRCh38, chr4:83,284,721, plus strand): 5'-GCCGCACGCGCCAGGGCGAAGGAGCGGCCCCGCCAGCCCGGCAGCCACGCCAGTGCCACA[G>C]CCCGCAGGCCCCGCGCGAACCCCGCGGCTCGCGAGCCCAGCATGGCGCTGGTGAGGCCGG-3'
Protein context (NP_001345850.1, residues 5-25): RAAGFARGLR[Ala15Gly]VALAWLPGWR